The following is an entry in ClinVar:

ClinVar aggregate classification (germline): Uncertain significance (1 of 4 stars; one submission).

Submission:

Dasa
Classification: Uncertain significance. Last evaluated: 2024-11-18. Review status: criteria provided, single submitter. Criteria: DASA Assertion Criteria. Collection method: clinical testing. Allele origin: germline.
Comment: NM_002156.5(HSPD1):c.870-8_870-6del is a splice-region variant. This variant is rare in population databases. Computational prediction algorithms are consistent with a benign effect. The currently available literature and clinical evidence are not sufficient to establish a definitive association between this variant and the reported condition. Therefore, this variant is classified as a variant of uncertain significance.

NM_002156.5(HSPD1):c.870-8_870-6del

Gene: HSPD1 (heat shock protein family D (Hsp60) member 1; minus strand). Cytogenetic location: 2q33.1.
Variant type: Deletion.
Coding change: c.870-8_870-6del on transcript NM_002156.5 (MANE Select); 8 bases into the intron before coding-DNA position 870 through 6 bases into the intron before coding-DNA position 870, 3 bases deleted (CTT; older notation c.870-8_870-6delCTT).
Molecular consequence: intron variant.
Genome position (GRCh38, 1-based): chr2:197,490,302-197,490,304, AAG deleted on the plus strand (CTT on the coding strand, the reverse complement: HSPD1 is on the minus strand); deleting any 3 consecutive bases within chr2:197,490,302-197,490,306 gives the same sequence; the c. name uses the placement nearest the transcript's 3' end. VCF-style (leftmost placement, unchanged base first): chr2-197490301-TAAG-T. GRCh37 (hg19) VCF-style: chr2-198355025-TAAG-T.
Other names: c.870-8_870-6del (NM_199440.2).
Identifiers: ClinVar variation 4886321 (VCV004886321.2).